The following is an entry in ClinVar:

ClinVar aggregate classification (germline): Uncertain significance (1 of 4 stars; one submission).

Submission:

CeGaT Center for Human Genetics Tuebingen
Classification: Uncertain significance. Last evaluated: 2026-03-01. Review status: criteria provided, single submitter. Criteria: CeGaT Center For Human Genetics Tuebingen Variant Classification Criteria Version 2. Collection method: clinical testing. Allele origin: germline. Affected: yes. Observed: 1 variant allele.
Comment: PLAAT3: PM2, BP4

NM_001128203.2(PLAAT3):c.16-3C>T

Gene: PLAAT3 (phospholipase A and acyltransferase 3; minus strand). Cytogenetic location: 11q12.3.
Variant type: single nucleotide variant.
Coding change: c.16-3C>T on transcript NM_001128203.2 (MANE Select); 3 bases into the intron before coding-DNA position 16, C replaced by T.
Molecular consequence: intron variant.
Genome position (GRCh38, 1-based): chr11:63,598,166, G>A on the plus strand (C>T on the coding strand, the complement: PLAAT3 is on the minus strand). VCF-style: chr11-63598166-G-A. GRCh37 (hg19) VCF-style: chr11-63365638-G-A.
Other names: c.16-3C>T (NM_007069.3).
Identifiers: ClinVar variation 4823775 (VCV004823775.4).